The following is an entry in ClinVar:

ClinVar aggregate classification (germline): Pathogenic/Likely pathogenic. Review status: criteria provided, multiple submitters, no conflicts (2 of 4 stars). 3 submissions from 3 submitters: Pathogenic (1); Likely pathogenic (2). Last evaluated 2025-12-18.

Conditions:
Hereditary cancer-predisposing syndrome. Also called: Neoplastic Syndromes, Hereditary; Hereditary neoplastic syndrome; Tumor predisposition; Hereditary Cancer Syndrome. Identifiers: Orphanet 140162, MedGen C0027672, MeSH D009386, MONDO:0015356.
Hereditary breast ovarian cancer syndrome. Also called: Hereditary breast and/or ovarian cancer syndrome; Breast and ovarian cancer; Hereditary breast and ovarian cancer; Hereditary breast and ovarian cancer syndrome (HBOC); Hereditary breast and ovarian cancer syndrome; BRCA1- and BRCA2-Associated Hereditary Breast and Ovarian Cancer. Identifiers: Orphanet 145, MedGen C0677776, MeSH D061325, MONDO:0003582. Disease mechanism: loss of function.
Familial cancer of breast. Also called: Hereditary breast cancer; BREAST CANCER, FAMILIAL; hereditary breast carcinoma. Identifiers: Orphanet 227535, MedGen C0346153, MONDO:0016419, OMIM 114480. Disease mechanism: loss of function.

Submissions (3):

Ambry Genetics
Classification: Pathogenic for Hereditary cancer-predisposing syndrome. Last evaluated: 2025-12-18. Review status: criteria provided, single submitter. Criteria: Ambry Variant Classification Scheme 2023. Collection method: clinical testing. Allele origin: germline.
Comment: The c.4305_4309delTATTA pathogenic mutation, located in coding exon 10 of the BRCA2 gene, results from a deletion of 5 nucleotides at nucleotide positions 4305 to 4309, causing a translational frameshift with a predicted alternate stop codon (p.N1435Kfs*8). This variant is considered to be rare based on population cohorts in the Genome Aggregation Database (gnomAD). This alteration is expected to result in loss of function by premature protein truncation or nonsense-mediated mRNA decay. As such, this alteration is interpreted as a disease-causing mutation.

Baylor Genetics
Classification: Likely pathogenic for Familial cancer of breast. Last evaluated: 2021-01-12. Review status: criteria provided, single submitter. Criteria: ACMG Guidelines, 2015. Collection method: clinical testing. Allele origin: unknown.

Women's Health and Genetics/Laboratory Corporation of America, LabCorp
Classification: Likely pathogenic for Hereditary breast and ovarian cancer syndrome. Last evaluated: 2017-12-04. Review status: criteria provided, single submitter. Criteria: LabCorp Variant Classification Summary - May 2015. Collection method: clinical testing. Allele origin: germline.
Comment: Variant summary: The BRCA2 c.4305_4309delTATTA (p.Asn1435LysfsX8) variant results in a premature termination codon, predicted to cause a truncated or absent BRCA2 protein due to nonsense mediated decay, which are commonly known mechanisms for disease. Truncations downstream of this position have been classified as pathogenic by our laboratory (e.g. c.5073dupA, p.Trp1692fsX3; c.5130_5133delTGTA, p.Tyr1710fsX1; c.5146_5149delTATG, p.Tyr1716fsX8). One in silico tool predicts a damaging outcome for this variant. This variant is absent in 239586 control chromosomes. The variant of interest has not, to our knowledge, been reported in affected individuals via publications and/or reputable databases/clinical diagnostic laboratories; nor evaluated for functional impact by in vivo/vitro studies. Taken together, this variant is classified as likely pathogenic.

NM_000059.4(BRCA2):c.4305_4309del (p.Asn1435fs)

Gene: BRCA2 (BRCA2 DNA repair associated; plus strand). Cytogenetic location: 13q13.1.
Variant type: Deletion.
Coding change: c.4305_4309del on transcript NM_000059.4 (MANE Select); coding-DNA positions 4305 to 4309, 5 bases deleted (TATTA; older notation c.4305_4309delTATTA).
Protein change: p.Asn1435fs; shifts the reading frame from asparagine 1435.
Molecular consequence: frameshift variant.
Genome position (GRCh38, 1-based): chr13:32,338,660-32,338,664, TATTA deleted; deleting any 5 consecutive bases within chr13:32,338,659-32,338,664 gives the same sequence; the c. name uses the placement nearest the transcript's 3' end. VCF-style (leftmost placement, unchanged base first): chr13-32338658-AATATT-A. GRCh37 (hg19) VCF-style: chr13-32912795-AATATT-A.
Other names: c.4305_4309delTATTA (NM_000059.3); short protein forms N1435fs.
Identifiers: ClinVar variation 633124 (VCV000633124.3), dbSNP rs1566230041, ClinGen allele CA913190946.